The following is an entry in ClinVar:

NC_000004.11:g.(?_84391526)_(84391832_?)del

Gene: ABRAXAS1 (abraxas 1, BRCA1 A complex subunit; minus strand). Cytogenetic location: 4q21.23.
Variant type: Deletion.
Identifiers: ClinVar variation 3246777 (VCV003246777.1).

ClinVar aggregate classification (germline): Uncertain significance (1 of 4 stars; one submission).

Submission:

Labcorp Genetics (formerly Invitae), Labcorp
Classification: Uncertain significance. Last evaluated: 2019-04-24. Review status: criteria provided, single submitter. Criteria: Invitae Variant Classification Sherloc (09022015). Collection method: clinical testing. Allele origin: unknown.
Comment: In summary, the available evidence is currently insufficient to determine the role of this variant in disease. Therefore, it has been classified as a Variant of Uncertain Significance. The current clinical and genetic evidence is not sufficient to establish whether loss-of-function variants in ABRAXAS1 cause disease. This variant has not been reported in the literature in individuals with ABRAXAS1-related conditions. This variant is a deletion of the genomic region encompassing part of exon 5 (c.283-283_306del) of the ABRAXAS1 gene. It is expected to disrupt RNA splicing and likely results in an absent or disrupted protein product.